The following is an entry in ClinVar:

ClinVar aggregate classification (germline): Uncertain significance. Review status: criteria provided, multiple submitters, no conflicts (2 of 4 stars). 2 submissions from 2 submitters: Uncertain significance (2). Last evaluated 2019-12-27.

Conditions:
Inborn genetic diseases. Identifiers: MedGen C0950123, MeSH D030342.

Allele frequency attached by ClinVar (database versions not stated): TOPMed below 0.00001; gnomAD exomes below 0.00001.
gnomAD v4.1: 3 of 1,224,824 alleles (0.00024%); highest among the groups gnomAD compares: South Asian, 0.0034%; no homozygotes.

Submissions (2):

GeneDx
Classification: Uncertain significance. Last evaluated: 2019-12-27. Review status: criteria provided, single submitter. Criteria: GeneDx Variant Classification Process June 2021. Collection method: clinical testing. Allele origin: germline. Affected: yes.
Comment: Not observed in large population cohorts (Lek et al., 2016); In silico analysis, which includes protein predictors and evolutionary conservation, supports that this variant does not alter protein structure/function; Has not been previously published as pathogenic or benign to our knowledge

Ambry Genetics
Classification: Uncertain significance for Inborn genetic diseases. Last evaluated: 2018-01-24. Review status: criteria provided, single submitter. Criteria: Ambry Variant Classification Scheme 2023. Collection method: clinical testing. Allele origin: germline.
Comment: The p.A388T variant (also known as c.1162G>A), located in coding exon 1 of the ARID1B gene, results from a G to A substitution at nucleotide position 1162. The alanine at codon 388 is replaced by threonine, an amino acid with similar properties. This amino acid position is not conserved on limited sequence alignment. In addition, this alteration is predicted to be tolerated by in silico analysis. Since supporting evidence is limited at this time, the clinical significance of this alteration remains unclear.

NM_001374828.1(ARID1B):c.1411G>A (p.Ala471Thr)

Gene: ARID1B (AT-rich interaction domain 1B; plus strand). Cytogenetic location: 6q25.3.
Variant type: single nucleotide variant.
Coding change: c.1411G>A on transcript NM_001374828.1 (MANE Select); coding-DNA position 1411, G replaced by A.
Protein change: p.Ala471Thr; replaces alanine 471 with threonine.
Molecular consequence: missense variant.
Genome position (GRCh38, 1-based): chr6:156,779,091, G>A. VCF-style: chr6-156779091-G-A. GRCh37 (hg19) VCF-style: chr6-157100225-G-A.
Other names: c.1162G>A (NM_020732.3); c.1411G>A, p.Ala471Thr (NM_001371656.1, NM_001374820.1, NM_017519.3); short protein forms A471T.
Identifiers: ClinVar variation 1204503 (VCV001204503.5), dbSNP rs1778968749, ClinGen allele CA366384288.